The following is an entry in ClinVar:

NM_000553.6(WRN):c.3223C>T (p.Leu1075Phe)

Gene: WRN (WRN RecQ like helicase; plus strand). Cytogenetic location: 8p12.
Variant type: single nucleotide variant.
Coding change: c.3223C>T on transcript NM_000553.6 (MANE Select); coding-DNA position 3223, C replaced by T.
Protein change: p.Leu1075Phe; replaces leucine 1075 with phenylalanine.
Molecular consequence: missense variant.
Genome position (GRCh38, 1-based): chr8:31,141,765, C>T. VCF-style: chr8-31141765-C-T. GRCh37 (hg19) VCF-style: chr8-30999281-C-T.
Other names: short protein forms L1075F.
Identifiers: ClinVar variation 2768211 (VCV002768211.3), dbSNP rs2536031346, ClinGen allele CA370923191.

ClinVar aggregate classification (germline): Uncertain significance (1 of 4 stars; one submission).

Conditions:
Werner syndrome (WRN). Identifiers: Orphanet 902, MedGen C0043119, MONDO:0010196, OMIM 277700.

Allele frequency attached by ClinVar (database versions not stated): gnomAD exomes 0.00001.

Submission:

Labcorp Genetics (formerly Invitae), Labcorp
Classification: Uncertain significance for Werner syndrome. Last evaluated: 2023-10-14. Review status: criteria provided, single submitter. Criteria: Invitae Variant Classification Sherloc (09022015). Collection method: clinical testing. Allele origin: germline.
Comment: This sequence change replaces leucine, which is neutral and non-polar, with phenylalanine, which is neutral and non-polar, at codon 1075 of the WRN protein (p.Leu1075Phe). This variant is not present in population databases (gnomAD no frequency). This variant has not been reported in the literature in individuals affected with WRN-related conditions. Algorithms developed to predict the effect of missense changes on protein structure and function output the following: SIFT: "Not Available"; PolyPhen-2: "Benign"; Align-GVGD: "Not Available". The phenylalanine amino acid residue is found in multiple mammalian species, which suggests that this missense change does not adversely affect protein function. In summary, the available evidence is currently insufficient to determine the role of this variant in disease. Therefore, it has been classified as a Variant of Uncertain Significance.